The following is an entry in ClinVar:

NM_000059.4(BRCA2):c.3711T>C (p.Ala1237=)

Gene: BRCA2 (BRCA2 DNA repair associated; plus strand). Cytogenetic location: 13q13.1.
Variant type: single nucleotide variant.
Coding change: c.3711T>C on transcript NM_000059.4 (MANE Select); coding-DNA position 3711, T replaced by C.
Protein change: p.Ala1237=; no amino-acid change (alanine 1237 retained).
Molecular consequence: synonymous variant.
Genome position (GRCh38, 1-based): chr13:32,338,066, T>C. VCF-style: chr13-32338066-T-C. GRCh37 (hg19) VCF-style: chr13-32912203-T-C.
Identifiers: ClinVar variation 184343 (VCV000184343.30), dbSNP rs745588537, ClinGen allele CA018638.
Genomic context (GRCh38, chr13:32,338,066, plus strand): 5'-GGGCTTTTATTCTGCTCATGGCACAAAACTGAATGTTTCTACTGAAGCTCTGCAAAAAGC[T>C]GTGAAACTGTTTAGTGATATTGAGAATATTAGTGAGGAAACTTCTGCAGAGGTACATCCA-3'
Protein context (NP_000050.3, residues 1227-1247): LNVSTEALQK[Ala1237=]VKLFSDIENI

ClinVar aggregate classification (germline): Likely benign. Review status: reviewed by expert panel (3 of 4 stars). 11 submissions from 11 submitters: Likely benign (1). 10 of the submissions do not count toward it. Last evaluated 2017-06-29.

Conditions:
BRCA2-related cancer predisposition. Identifiers: MedGen CN377758, MONDO:0700269.
BRCA2-related disorder. Also called: BRCA2-related condition; BRCA2-related disorders. Identifiers: MedGen CN239275.
Hereditary cancer-predisposing syndrome. Also called: Neoplastic Syndromes, Hereditary; Tumor predisposition; Hereditary neoplastic syndrome; Hereditary Cancer Syndrome. Identifiers: Orphanet 140162, MedGen C0027672, MeSH D009386, MONDO:0015356.
Hereditary breast ovarian cancer syndrome. Also called: Hereditary breast and/or ovarian cancer syndrome; Hereditary breast and ovarian cancer syndrome; Hereditary breast and ovarian cancer; Hereditary breast and ovarian cancer syndrome (HBOC); Breast and ovarian cancer; BRCA1- and BRCA2-Associated Hereditary Breast and Ovarian Cancer. Identifiers: Orphanet 145, MedGen C0677776, MeSH D061325, MONDO:0003582. Disease mechanism: loss of function.
Breast-ovarian cancer, familial, susceptibility to, 2 (BROVCA2). Also called: BRCA2 Hereditary Breast and Ovarian Cancer. Identifiers: Orphanet 145, MedGen C2675520, MONDO:0012933, OMIM 612555. Disease mechanism: loss of function.

Allele frequency attached by ClinVar (database versions not stated): ExAC 0.00001; gnomAD exomes 0.00001; TOPMed 0.00001; gnomAD 0.00003.
gnomAD v4.1: 27 of 1,611,600 alleles (0.0017%); highest among the groups gnomAD compares: Non-Finnish European, 0.0022%; no homozygotes.

Submissions (11):

Evidence-based Network for the Interpretation of Germline Mutant Alleles (ENIGMA)
Classification: Likely benign for Breast-ovarian cancer, familial, susceptibility to, 2. Last evaluated: 2017-06-29. Review status: reviewed by expert panel. Criteria: ENIGMA BRCA1/2 Classification Criteria (2017-06-29). Collection method: curation. Allele origin: germline.
Comment: Synonymous substitution variant, with low bioinformatic likelihood to result in a splicing aberration (Splicing prior probability 0.02).

Labcorp Genetics (formerly Invitae), Labcorp
Classification: Likely benign for Hereditary breast ovarian cancer syndrome. Last evaluated: 2026-01-28. Review status: criteria provided, single submitter. Criteria: Invitae Variant Classification Sherloc (09022015). Collection method: clinical testing. Allele origin: germline. Not counted in ClinVar's aggregate classification.

PreventionGenetics, part of Exact Sciences
Classification: Likely benign for BRCA2-related condition. Last evaluated: 2025-06-28. Review status: criteria provided, single submitter. Criteria: ACMG Guidelines, 2015. Collection method: clinical testing. Allele origin: germline. Not counted in ClinVar's aggregate classification.
Comment: This variant is classified as likely benign based on ACMG/AMP sequence variant interpretation guidelines (Richards et al. 2015 PMID: 25741868, with internal and published modifications).

Department of Pathology and Laboratory Medicine, Sinai Health System
Classification: Likely benign for BRCA2-related cancer predisposition. Last evaluated: 2024-12-09. Review status: criteria provided, single submitter. Criteria: ACMG Guidelines, 2015. Collection method: clinical testing. Allele origin: germline. Not counted in ClinVar's aggregate classification.

Institute for Biomarker Research, Medical Diagnostic Laboratories, L.L.C.
Classification: Likely benign for Hereditary breast ovarian cancer syndrome. Last evaluated: 2024-11-05. Review status: criteria provided, single submitter. Criteria: ACMG Guidelines, 2015. Collection method: clinical testing. Allele origin: germline. Not counted in ClinVar's aggregate classification.
Comment: The synonymous variant NM_000059.4(BRCA2):c.3711T>C (p.Ala1237=) has been reported to ClinVar as Likely benign with a status of (3 stars) reviewed by expert panel (Variation ID 184343 as of 2024-10-03). The p.Ala1237= variant is observed in 2/112,882 (0.0018%) alleles from individuals of gnomAD Non Finnish European background in gnomAD. The p.Ala1237= variant is novel (not in any individuals) in 1kG. The p.Ala1237= variant is not predicted to disrupt an existing splice site. The p.Ala1237= variant results in a substitution of a base that is not predicted conserved by GERP++ and PhyloP. For these reasons, this variant has been classified as Likely Benign

All of Us Research Program, National Institutes of Health
Classification: Likely benign for BRCA2-related cancer predisposition. Last evaluated: 2024-08-13. Review status: criteria provided, single submitter. Criteria: ACMG Guidelines, 2015. Collection method: clinical testing. Allele origin: germline. Inheritance: Autosomal dominant inheritance. Observed: 4 variant alleles, 4 heterozygotes. Not counted in ClinVar's aggregate classification.
Comment: This study involves interpretation of variants in research participants for the purpose of population health screening. Participant phenotype was not available at the time of variant classification. Additional details can be found in publication PMID: 35346344, PMCID: PMC8962531

Sema4
Classification: Likely benign for Hereditary cancer-predisposing syndrome. Last evaluated: 2021-08-22. Review status: criteria provided, single submitter. Criteria: Sema4 Curation Guidelines. Collection method: curation. Allele origin: germline. Not counted in ClinVar's aggregate classification.

Women's Health and Genetics/Laboratory Corporation of America, LabCorp
Classification: Likely benign. Last evaluated: 2019-08-01. Review status: criteria provided, single submitter. Criteria: LabCorp Variant Classification Summary - May 2015. Collection method: clinical testing. Allele origin: germline. Not counted in ClinVar's aggregate classification.

Color Diagnostics, LLC DBA Color Health
Classification: Likely benign for Hereditary cancer-predisposing syndrome. Last evaluated: 2016-10-07. Review status: criteria provided, single submitter. Criteria: ACMG Guidelines, 2015. Collection method: clinical testing. Allele origin: germline. Not counted in ClinVar's aggregate classification.

GeneDx
Classification: Benign. Last evaluated: 2015-03-23. Review status: criteria provided, single submitter. Criteria: GeneDx Variant Classification Process June 2021. Collection method: clinical testing. Allele origin: germline. Affected: yes. Not counted in ClinVar's aggregate classification.

Ambry Genetics
Classification: Likely benign for Hereditary cancer-predisposing syndrome. Last evaluated: 2014-10-16. Review status: criteria provided, single submitter. Criteria: Ambry Variant Classification Scheme 2023. Collection method: clinical testing. Allele origin: germline. Not counted in ClinVar's aggregate classification.